The following is an entry in ClinVar:

NM_001367721.1(CASK):c.464C>T (p.Ser155Leu)

Gene: CASK (calcium/calmodulin dependent serine protein kinase; minus strand). Cytogenetic location: Xp11.4.
Variant type: single nucleotide variant.
Coding change: c.464C>T on transcript NM_001367721.1 (MANE Select); coding-DNA position 464, C replaced by T.
Protein change: p.Ser155Leu; replaces serine 155 with leucine.
Molecular consequence: missense variant.
Genome position (GRCh38, 1-based): chrX:41,671,496, G>A on the plus strand (C>T on the coding strand, the complement: CASK is on the minus strand). VCF-style: chrX-41671496-G-A. GRCh37 (hg19) VCF-style: chrX-41530749-G-A.
Other names: c.464C>T, p.Ser155Leu (NM_001126054.3, NM_001126055.3, NM_001410745.1 and 1 more transcripts); short protein forms S155L.
Identifiers: ClinVar variation 3254723 (VCV003254723.2), dbSNP rs2519234687.

ClinVar aggregate classification (germline): Likely pathogenic. Review status: criteria provided, single submitter (1 of 4 stars). 2 submissions from 2 submitters: Likely pathogenic (1). 1 of the submissions does not count toward it. Last evaluated 2023-07-16.

Conditions:
FG syndrome 4 (FGS4). Identifiers: MedGen C1845546, MONDO:0010318, OMIM 300422.

Allele frequency attached by ClinVar (database versions not stated): gnomAD exomes below 0.00001.
gnomAD v4.1: 1 of 1,206,270 alleles (0.000083%); highest among the groups gnomAD compares: Non-Finnish European, 0.00011%; no homozygotes.

Submissions (2):

Victorian Clinical Genetics Services, Murdoch Childrens Research Institute
Classification: Likely pathogenic for FG syndrome 4. Last evaluated: 2023-07-16. Review status: criteria provided, single submitter. Criteria: ACMG Guidelines, 2015. Collection method: clinical testing. Allele origin: germline. Inheritance: X-linked dominant inheritance. Affected: yes.
Comment: Based on the classification scheme VCGS_Germline_v1.3.4, this variant is classified as Likely pathogenic. Following criteria are met: 0102 - Loss of function is a known mechanism of disease in this gene and is associated with FG syndrome 4 (MIM#300422), intellectual developmental disorder and microcephaly with pontine and cerebellar hypoplasia (MIM#300749) and intellectual developmental disorder, with or without nystagmus (MIM#300422). (I) 0110 - This gene is associated with X-linked dominant disease. (I) 0200 - Variant is predicted to result in a missense amino acid change from serine to leucine. (I) 0251 - This variant is heterozygous. (I) 0301 - Variant is absent from gnomAD (both v2 and v3). (SP) 0501 - Missense variant consistently predicted to be damaging by multiple in silico tools or highly conserved with a major amino acid change. (SP) 0603 - Missense variant in a region that is highly intolerant to missense variation (high constraint region in DECIPHER). (SP) 0705 - No comparable missense variants have previous evidence for pathogenicity. (I) 0807 - This variant has no previous evidence of pathogenicity. (I) 0905 - No published segregation evidence has been identified for this variant. (I) 1007 - No published functional evidence has been identified for this variant. (SP) Legend: (SP) - Supporting pathogenic, (I) - Information, (SB) - Supporting benign

Clinical Genetics Laboratory, University Hospital Schleswig-Holstein
Classification: Uncertain significance for FG syndrome 4. Last evaluated: 2024-08-27. Review status: no assertion criteria provided. Collection method: clinical testing. Allele origin: germline. Affected: yes. Not counted in ClinVar's aggregate classification.